The following is an entry in ClinVar:

NM_001130144.3(LTBP3):c.476G>A (p.Ser159Asn)

Gene: LTBP3 (latent transforming growth factor beta binding protein 3; minus strand). Cytogenetic location: 11q13.1.
Variant type: single nucleotide variant.
Coding change: c.476G>A on transcript NM_001130144.3 (MANE Select); coding-DNA position 476, G replaced by A.
Protein change: p.Ser159Asn; replaces serine 159 with asparagine.
Molecular consequence: missense variant.
Genome position (GRCh38, 1-based): chr11:65,554,236, C>T on the plus strand (G>A on the coding strand, the complement: LTBP3 is on the minus strand). VCF-style: chr11-65554236-C-T. GRCh37 (hg19) VCF-style: chr11-65321707-C-T.
Other names: c.125G>A, p.Ser42Asn (NM_001164266.1); c.476G>A, p.Ser159Asn (NM_021070.4); short protein forms S42N, S159N.
Identifiers: ClinVar variation 1495282 (VCV001495282.9), dbSNP rs766148760, ClinGen allele CA6101225.
Genomic context (GRCh38, chr11:65,554,236, plus strand): 5'-ACAGAGTCGCCCTCCGGAGCCAGGGGCGGCAGCGCCCCTGTGGACAGGGCCCCTGTCCTG[C>T]TCAGGCCGGGGCCTGAGCCGCCGGTACCCCCACCGGCTCCTCCTGCGGGCACCTGGCAGA-3'
Protein context (NP_001123616.1, residues 149-169): GGTGGSGPGL[Ser159Asn]RTGALSTGAL

ClinVar aggregate classification (germline): Uncertain significance. Review status: criteria provided, multiple submitters, no conflicts (2 of 4 stars). 3 submissions from 3 submitters: Uncertain significance (3). Last evaluated 2026-01-02.

Conditions:
LTBP3-related disorder. Also called: LTBP3-related condition.
Inborn genetic diseases. Identifiers: MedGen C0950123, MeSH D030342.
Brachyolmia-amelogenesis imperfecta syndrome. Also called: Tooth agenesis, selective, 6; Dental anomalies and short stature; PLATYSPONDYLY WITH AMELOGENESIS IMPERFECTA. Identifiers: Orphanet 2899, MedGen C1832594, MONDO:0011018, OMIM 601216. Disease mechanism: loss of function.

Allele frequency attached by ClinVar (database versions not stated): ExAC 0.00001; gnomAD exomes 0.00001 and 0.00002; gnomAD 0.00014 and 0.00016; TOPMed 0.00031.
gnomAD v4.1: 42 of 1,608,938 alleles (0.0026%); highest among the groups gnomAD compares: Admixed American, 0.044%; no homozygotes.

Submissions (3):

Labcorp Genetics (formerly Invitae), Labcorp
Classification: Uncertain significance for Brachyolmia-amelogenesis imperfecta syndrome. Last evaluated: 2026-01-02. Review status: criteria provided, single submitter. Criteria: Invitae Variant Classification Sherloc (09022015). Collection method: clinical testing. Allele origin: germline.
Comment: This sequence change replaces serine, which is neutral and polar, with asparagine, which is neutral and polar, at codon 159 of the LTBP3 protein (p.Ser159Asn). This variant is present in population databases (rs766148760, gnomAD 0.005%). This variant has not been reported in the literature in individuals affected with LTBP3-related conditions. ClinVar contains an entry for this variant (Variation ID: 1495282). An algorithm developed to predict the effect of missense changes on protein structure and function (PolyPhen-2) suggests that this variant is likely to be tolerated. In summary, the available evidence is currently insufficient to determine the role of this variant in disease. Therefore, it has been classified as a Variant of Uncertain Significance.

PreventionGenetics, part of Exact Sciences
Classification: Uncertain significance for LTBP3-related condition. Last evaluated: 2025-10-20. Review status: criteria provided, single submitter. Criteria: ACMG Guidelines, 2015. Collection method: clinical testing. Allele origin: germline.
Comment: The LTBP3 c.476G>A variant is predicted to result in the amino acid substitution p.Ser159Asn. To our knowledge, this variant has not been reported in the literature. This variant is reported in 0.0086% of alleles in individuals of Latino descent in gnomAD. At this time, the clinical significance of this variant is uncertain due to the absence of conclusive functional and genetic evidence.

Ambry Genetics
Classification: Uncertain significance for Inborn genetic diseases. Last evaluated: 2023-02-27. Review status: criteria provided, single submitter. Criteria: Ambry Variant Classification Scheme 2023. Collection method: clinical testing. Allele origin: germline.